The following is an entry in ClinVar:

NM_016179.4(TRPC4):c.523C>T (p.Arg175Cys)

Gene: TRPC4 (transient receptor potential cation channel subfamily C member 4; minus strand). Cytogenetic location: 13q13.3.
Variant type: single nucleotide variant.
Coding change: c.523C>T on transcript NM_016179.4 (MANE Select); coding-DNA position 523, C replaced by T.
Protein change: p.Arg175Cys; replaces arginine 175 with cysteine.
Molecular consequence: missense variant. On other transcripts: 5 prime UTR variant (3), intron variant (1).
Genome position (GRCh38, 1-based): chr13:37,746,311, G>A on the plus strand (C>T on the coding strand, the complement: TRPC4 is on the minus strand). VCF-style: chr13-37746311-G-A. GRCh37 (hg19) VCF-style: chr13-38320448-G-A.
Other names: c.523C>T, p.Arg175Cys (NM_001135955.3, NM_001135956.3, NM_001135957.3 and 1 more transcripts); c.-727C>T (NM_001354799.2); c.-401C>T (NM_001354806.2); c.-685C>T (NM_001372055.1); c.378+36645C>T (NM_001135958.3); short protein forms R175C.
Identifiers: ClinVar variation 161611 (VCV000161611.2), dbSNP rs193920981, ClinGen allele CA174447.

ClinVar aggregate classification (germline): Uncertain significance (0 of 4 stars; one submission).

Conditions:
Prostate cancer. Also called: Malignant tumor of prostate. Identifiers: Orphanet 1331, MedGen C0376358, MONDO:0008315, HP:0012125.

Allele frequency attached by ClinVar (database versions not stated): gnomAD 0.00001.
gnomAD v4.1: 1 of 1,613,670 alleles (0.000062%); highest among the groups gnomAD compares: African/African-American, 0.0013%; no homozygotes.

Submission:

Science for Life laboratory,  Karolinska Institutet
Classification: Uncertain significance for Malignant tumor of prostate. Review status: no assertion criteria provided. Collection method: not provided. Allele origin: somatic.
Comment: TumorID:SWE-4
ClinVar note: Converted during submission from Unknown to Uncertain significance.